The following is an entry in ClinVar:

NM_004168.4(SDHA):c.1261-4A>T

Gene: SDHA (succinate dehydrogenase complex flavoprotein subunit A; plus strand). Cytogenetic location: 5p15.33.
Variant type: single nucleotide variant.
Coding change: c.1261-4A>T on transcript NM_004168.4 (MANE Select); 4 bases into the intron before coding-DNA position 1261, A replaced by T.
Molecular consequence: intron variant.
Genome position (GRCh38, 1-based): chr5:236,424, A>T. VCF-style: chr5-236424-A-T. GRCh37 (hg19) VCF-style: chr5-236539-A-T.
Other names: c.1261-4A>T (NM_001330758.2); c.1117-4A>T (NM_001294332.2).
Identifiers: ClinVar variation 472315 (VCV000472315.12), dbSNP rs1553999703, ClinGen allele CA658657410.

ClinVar aggregate classification (germline): Likely benign. Review status: criteria provided, multiple submitters, no conflicts (2 of 4 stars). 2 submissions from 2 submitters: Likely benign (2). Last evaluated 2025-03-10.

Conditions:
Pheochromocytoma/paraganglioma syndrome 5. Also called: Paragangliomas 5; SDHA-Related Hereditary Paraganglioma-Pheochromocytoma Syndrome. Identifiers: Orphanet 29072, MedGen C3279992, MONDO:0013602, OMIM 614165.
Mitochondrial complex II deficiency, nuclear type 1. Also called: SUCCINATE CoQ REDUCTASE DEFICIENCY. Identifiers: Orphanet 3208, MedGen C5700310, MONDO:0100294, OMIM 252011.

Submissions (2):

Myriad Genetics, Inc.
Classification: Likely benign for Pheochromocytoma/paraganglioma syndrome 5. Last evaluated: 2025-03-10. Review status: criteria provided, single submitter. Criteria: Myriad Autosomal Dominant, Autosomal Recessive and X-Linked Classification Criteria (2023). Collection method: clinical testing. Allele origin: unknown.
Comment: This variant is considered likely benign. This variant is intronic and is not expected to impact mRNA splicing.

Labcorp Genetics (formerly Invitae), Labcorp
Classification: Likely benign for Pheochromocytoma/paraganglioma syndrome 5; Mitochondrial complex II deficiency, nuclear type 1. Last evaluated: 2019-10-15. Review status: criteria provided, single submitter. Criteria: Invitae Variant Classification Sherloc (09022015). Collection method: clinical testing. Allele origin: germline.